The following is an entry in ClinVar:

ClinVar aggregate classification (germline): Likely benign (1 of 4 stars; one submission).

Conditions:
NCOA1-related disorder. Also called: NCOA1-related condition.

Submission:

PreventionGenetics, part of Exact Sciences
Classification: Likely benign for NCOA1-related condition. Last evaluated: 2025-12-15. Review status: criteria provided, single submitter. Criteria: ACMG Guidelines, 2015. Collection method: clinical testing. Allele origin: germline.
Comment: This variant is classified as likely benign based on ACMG/AMP sequence variant interpretation guidelines (Richards et al. 2015 PMID: 25741868, with internal and published modifications).

NM_003743.5(NCOA1):c.4164A>G (p.Gln1388=)

Gene: NCOA1 (nuclear receptor coactivator 1; plus strand). Cytogenetic location: 2p23.3.
Variant type: single nucleotide variant.
Coding change: c.4164A>G on transcript NM_003743.5 (MANE Select); coding-DNA position 4164, A replaced by G.
Protein change: p.Gln1388=; no amino-acid change (glutamine 1388 retained).
Molecular consequence: synonymous variant. On other transcripts: 3 prime UTR variant (5).
Genome position (GRCh38, 1-based): chr2:24,768,229, A>G. VCF-style: chr2-24768229-A-G. GRCh37 (hg19) VCF-style: chr2-24991098-A-G.
Other names: c.*21A>G (NM_001362950.1, NM_001362952.1, NM_001362955.1 and 1 more transcripts); c.*18A>G (NM_001362954.1); c.4161A>G, p.Gln1387= (NM_147233.2).
Identifiers: ClinVar variation 4987665 (VCV004987665.1).
Genomic context (GRCh38, chr2:24,768,229, plus strand): 5'-AGCCGGGGGGGCAGACCCTTCTGTCTAAACACATCTTTTATTTGTGTTCCAGCAGGTGCA[A>G]CAGGTTCAGGTGTTTGCTGACGTCCAGTGTACAGTGAATCTGGTAGGCGGGGACCCTTAC-3'
Protein context (NP_003734.3, residues 1378-1398): KTEADGTQQV[Gln1388=]QVQVFADVQC